The following is an entry in ClinVar:

NM_001943.5(DSG2):c.377T>C (p.Leu126Pro)

Gene: DSG2 (desmoglein 2; plus strand). Cytogenetic location: 18q12.1.
Variant type: single nucleotide variant.
Coding change: c.377T>C on transcript NM_001943.5 (MANE Select); coding-DNA position 377, T replaced by C.
Protein change: p.Leu126Pro; replaces leucine 126 with proline.
Molecular consequence: missense variant.
Genome position (GRCh38, 1-based): chr18:31,520,963, T>C. VCF-style: chr18-31520963-T-C. GRCh37 (hg19) VCF-style: chr18-29100926-T-C.
Other names: short protein forms L126P.
Identifiers: ClinVar variation 4700342 (VCV004700342.1).

ClinVar aggregate classification (germline): Uncertain significance (1 of 4 stars; one submission).

Conditions:
Arrhythmogenic right ventricular dysplasia 10. Also called: Arrhythmogenic Right Ventricular Dysplasia/Cardiomyopathy10; ARRHYTHMOGENIC RIGHT VENTRICULAR DYSPLASIA, FAMILIAL, 10; Arrhythmogenic right ventricular dysplasia/cardiomyopathy, type 10. Identifiers: MedGen C1857777, MONDO:0012434, OMIM 610193.

gnomAD v4.1: 3 of 1,613,444 alleles (0.00019%); highest among the groups gnomAD compares: Non-Finnish European, 0.00025%; no homozygotes.

Submission:

Labcorp Genetics (formerly Invitae), Labcorp
Classification: Uncertain significance for Arrhythmogenic right ventricular dysplasia 10. Last evaluated: 2025-07-21. Review status: criteria provided, single submitter. Criteria: Invitae Variant Classification Sherloc (09022015). Collection method: clinical testing. Allele origin: germline.
Comment: This sequence change replaces leucine, which is neutral and non-polar, with proline, which is neutral and non-polar, at codon 126 of the DSG2 protein (p.Leu126Pro). This variant is not present in population databases (gnomAD no frequency). This variant has not been reported in the literature in individuals affected with DSG2-related conditions. Invitae Evidence Modeling of protein sequence and biophysical properties (such as structural, functional, and spatial information, amino acid conservation, physicochemical variation, residue mobility, and thermodynamic stability) has been performed for this missense variant. However, the output from this modeling did not meet the statistical confidence thresholds required to predict the impact of this variant on DSG2 protein function. In summary, the available evidence is currently insufficient to determine the role of this variant in disease. Therefore, it has been classified as a Variant of Uncertain Significance.